The following is an entry in ClinVar:

ClinVar aggregate classification (germline): Uncertain significance (1 of 4 stars; one submission).

Conditions:
Primary ciliary dyskinesia 23 (CILD23). Also called: CILIARY DYSKINESIA, PRIMARY, 23, WITH OR WITHOUT SITUS INVERSUS. Identifiers: Orphanet 244, MedGen C3809548, MONDO:0014193, OMIM 615451.

Submission:

Labcorp Genetics (formerly Invitae), Labcorp
Classification: Uncertain significance for Primary ciliary dyskinesia 23. Last evaluated: 2016-12-20. Review status: criteria provided, single submitter. Criteria: Invitae Variant Classification Sherloc (09022015). Collection method: clinical testing. Allele origin: germline.
Comment: In summary, this variant is a rare missense change with uncertain impact on protein function. It has been classified as a Variant of Uncertain Significance. Algorithms developed to predict the effect of sequence changes on RNA splicing suggest that this variant may alter RNA splicing, but this prediction has not been confirmed by published transcriptional studies. Algorithms developed to predict the effect of missense changes on protein structure and function do not agree on the potential impact of this missense change (SIFT: "Deleterious"; PolyPhen-2: "Probably Damaging"; Align-GVGD: "Class C0"). This variant is present in population databases (rs201908864, ExAC 0.004%) but has not been reported in the literature in individuals with a ARMC4-related disease. This sequence change replaces methionine with arginine at codon 1000 of the ARMC4 protein (p.Met1000Arg). The methionine residue is highly conserved and there is a moderate physicochemical difference between methionine and arginine.

NM_018076.5(ODAD2):c.2999T>G (p.Met1000Arg)

Gene: ODAD2 (outer dynein arm docking complex subunit 2; minus strand). Cytogenetic location: 10p12.1.
Variant type: single nucleotide variant.
Coding change: c.2999T>G on transcript NM_018076.5 (MANE Select); coding-DNA position 2999, T replaced by G.
Protein change: p.Met1000Arg; replaces methionine 1000 with arginine.
Molecular consequence: missense variant.
Genome position (GRCh38, 1-based): chr10:27,860,647, A>C on the plus strand (T>G on the coding strand, the complement: ODAD2 is on the minus strand). VCF-style: chr10-27860647-A-C. GRCh37 (hg19) VCF-style: chr10-28149576-A-C.
Other names: c.2999T>G, p.Met1000Arg (NM_001290020.2); c.1574T>G, p.Met525Arg (NM_001290021.2); c.2075T>G, p.Met692Arg (NM_001312689.2); short protein forms M1000R, M692R, M525R.
Identifiers: ClinVar variation 412247 (VCV000412247.7), dbSNP rs201908864, ClinGen allele CA5453048.
Genomic context (GRCh38, chr10:27,860,647, plus strand): 5'-CCAAACTTGGACTAAACCACAAAGTCATTCAACTGTACCTTTACTGCACCATTCTCATGC[A>C]TGGTGATGCAGTTATCGGCGTCTTCTGAGAGTTGGTACAAGGCCTGAGCTGTCGCCCGAT-3'
Protein context (NP_060546.2, residues 990-1010): LSEDADNCIT[Met1000Arg]HENGAVKLLL